The following is an entry in ClinVar:

ClinVar aggregate classification (germline): Pathogenic/Likely pathogenic. Review status: criteria provided, multiple submitters, no conflicts (2 of 4 stars). 7 submissions from 7 submitters: Pathogenic (4); Likely pathogenic (2). 1 of the submissions does not count toward it. Last evaluated 2026-10-02.

Conditions:
Nemaline myopathy 2 (NEM2). Also called: Nemaline myopathy 2, autosomal recessive. Identifiers: MedGen C1850569, MONDO:0009725, OMIM 256030.
Arthrogryposis multiplex congenita 6. Identifiers: MedGen C5543431, MONDO:0030281, OMIM 619334.
Nemaline myopathy. Also called: Myopathies, Nemaline. Identifiers: Orphanet 607, MedGen C0206157, MONDO:0018958.

Allele frequency attached by ClinVar (database versions not stated): TOPMed 0.00002; ExAC 0.00003; gnomAD exomes 0.00002 and 0.00004; gnomAD 0.00001.
gnomAD v4.1: 11 of 1,609,464 alleles (0.00068%); highest among the groups gnomAD compares: Admixed American, 0.018%; no homozygotes.

Submissions (7):

GeneDx
Classification: Likely pathogenic. Last evaluated: 2026-10-02. Review status: criteria provided, single submitter. Criteria: GeneDx Variant Classification Process June 2021. Collection method: clinical testing. Allele origin: germline.
Comment: Canonical splice site variant predicted to result in an in-frame loss of the adjacent exon in a gene for which loss of function is a known mechanism of disease; Deletions involving coding exons of this gene are a known mechanism of disease (HGMD); This variant is associated with the following publications: (PMID: 16917880, 25525159, 25205138)

Labcorp Genetics (formerly Invitae), Labcorp
Classification: Pathogenic for Nemaline myopathy 2. Last evaluated: 2024-10-22. Review status: criteria provided, single submitter. Criteria: Invitae Variant Classification Sherloc (09022015). Collection method: clinical testing. Allele origin: germline.
Comment: This sequence change affects a donor splice site in intron 5 of the NEB gene. It is expected to disrupt RNA splicing. Variants that disrupt the donor or acceptor splice site typically lead to a loss of protein function (PMID: 16199547), and loss-of-function variants in NEB are known to be pathogenic (PMID: 25205138). This variant is present in population databases (rs773952935, gnomAD 0.03%). Disruption of this splice site has been observed in individual(s) with nemaline myopathy (PMID: 16917880). In at least one individual the data is consistent with being in trans (on the opposite chromosome) from a pathogenic variant. This variant is also known as g.5468T>C. ClinVar contains an entry for this variant (Variation ID: 287422). Algorithms developed to predict the effect of sequence changes on RNA splicing suggest that this variant may disrupt the consensus splice site. For these reasons, this variant has been classified as Pathogenic.

Women's Health and Genetics/Laboratory Corporation of America, LabCorp
Classification: Pathogenic for Nemaline myopathy. Last evaluated: 2024-09-09. Review status: criteria provided, single submitter. Criteria: LabCorp Variant Classification Summary - May 2015. Collection method: clinical testing. Allele origin: germline.
Comment: Variant summary: NEB c.294+2T>C is located in a canonical splice-site and is predicted to affect mRNA splicing resulting in a significantly altered protein due to either exon skipping, shortening, or inclusion of intronic material. Variants that disrupt the consensus splice site are a relatively common cause of aberrant splicing and loss of NEB function. Several computational tools predict a significant impact on normal splicing: Four predict the variant abolishes a 5 splicing donor site. However, these predictions have yet to be confirmed by functional studies. The variant allele was found at a frequency of 4e-05 in 247568 control chromosomes (gnomAD). This frequency is not significantly higher than estimated for a pathogenic variant in NEB causing Nemaline Myopathy 2 (4e-05 vs 0.0035), allowing no conclusion about variant significance. c.294+2T>C has been reported in the literature in a compound heterozygous individual affected with Nemaline Myopathy 2, who carried another pathogenic variant in trans (Lehtokari 2006). To our knowledge, no experimental evidence demonstrating an impact on protein function has been reported. The following publications have been ascertained in the context of this evaluation (PMID: 25525159, 25205138, 16917880). ClinVar contains an entry for this variant (Variation ID: 287422). Based on the evidence outlined above, the variant was classified as pathogenic.

Baylor Genetics
Classification: Pathogenic for Arthrogryposis multiplex congenita 6. Last evaluated: 2024-02-22. Review status: criteria provided, single submitter. Criteria: ACMG Guidelines, 2015. Collection method: clinical testing. Allele origin: unknown.

Revvity Omics, Revvity
Classification: Likely pathogenic. Last evaluated: 2023-03-31. Review status: criteria provided, single submitter. Criteria: ACMG Guidelines, 2015. Collection method: clinical testing. Allele origin: germline.

Eurofins Ntd Llc (ga)
Classification: Pathogenic. Last evaluated: 2016-05-25. Review status: criteria provided, single submitter. Criteria: EGL Classification Definitions 2015. Collection method: clinical testing. Allele origin: germline. Observed: 1 variant allele, 1 heterozygote.

Counsyl
Classification: Likely pathogenic for Nemaline myopathy 2. Last evaluated: 2017-05-19. Review status: no assertion criteria provided. Collection method: clinical testing. Allele origin: unknown. Not counted in ClinVar's aggregate classification.

Literature cited by the submitters: PubMed 16199547 (cited by Labcorp Genetics (formerly Invitae), Labcorp); PubMed 25205138 (cited by Labcorp Genetics (formerly Invitae), Labcorp and Women's Health and Genetics/Laboratory Corporation of America, LabCorp); PubMed 16917880 (cited by 3 submitters); PubMed 25525159 (cited by Women's Health and Genetics/Laboratory Corporation of America, LabCorp and Counsyl).

NM_001164508.2(NEB):c.294+2T>C

Gene: NEB (nebulin; minus strand). Cytogenetic location: 2q23.3.
Variant type: single nucleotide variant.
Coding change: c.294+2T>C on transcript NM_001164508.2 (MANE Select); the canonical splice donor site of the intron after coding-DNA position 294, T replaced by C.
Molecular consequence: splice donor variant.
Genome position (GRCh38, 1-based): chr2:151,727,689, A>G on the plus strand (T>C on the coding strand, the complement: NEB is on the minus strand). VCF-style: chr2-151727689-A-G. GRCh37 (hg19) VCF-style: chr2-152584203-A-G.
Other names: c.294+2T>C (NM_004543.5, NM_001164507.2, NM_001271208.2).
Identifiers: ClinVar variation 287422 (VCV000287422.25), dbSNP rs773952935, ClinGen allele CA1911959.
Genomic context (GRCh38, chr2:151,727,689, plus strand): 5'-GAGTTGAGATAAGTAATTTCTTAATAATCAAGCCAGGTTAGCAGAAGTTGTTTGAAACTT[A>G]CTGGGCTAAAAAGATCCTGCATTTTCTGACTGTGTGCAATGTAGGGGGTCATGAACTTTG-3'